The following is an entry in ClinVar:

ClinVar aggregate classification (germline): Uncertain significance. Review status: criteria provided, multiple submitters, no conflicts (2 of 4 stars). 2 submissions from 2 submitters: Uncertain significance (2). Last evaluated 2023-08-04.

Conditions:
Tuberous sclerosis 2 (TSC2). Identifiers: Orphanet 805, MedGen C1860707, MONDO:0013199, OMIM 613254.
Hereditary cancer-predisposing syndrome. Also called: Hereditary neoplastic syndrome; Neoplastic Syndromes, Hereditary; Tumor predisposition; Hereditary Cancer Syndrome. Identifiers: Orphanet 140162, MedGen C0027672, MeSH D009386, MONDO:0015356.

Submissions (2):

Ambry Genetics
Classification: Uncertain significance for Hereditary cancer-predisposing syndrome. Last evaluated: 2023-08-04. Review status: criteria provided, single submitter. Criteria: Ambry Variant Classification Scheme 2023. Collection method: clinical testing. Allele origin: germline.
Comment: The p.N941T variant (also known as c.2822A>C), located in coding exon 24 of the TSC2 gene, results from an A to C substitution at nucleotide position 2822. The asparagine at codon 941 is replaced by threonine, an amino acid with similar properties. This amino acid position is conserved. In addition, the in silico prediction for this alteration is inconclusive. Since supporting evidence is limited at this time, the clinical significance of this alteration remains unclear.

Labcorp Genetics (formerly Invitae), Labcorp
Classification: Uncertain significance for Tuberous sclerosis 2. Last evaluated: 2020-06-25. Review status: criteria provided, single submitter. Criteria: Invitae Variant Classification Sherloc (09022015). Collection method: clinical testing. Allele origin: germline.
Comment: This variant is not present in population databases (ExAC no frequency). In summary, the available evidence is currently insufficient to determine the role of this variant in disease. Therefore, it has been classified as a Variant of Uncertain Significance. Algorithms developed to predict the effect of missense changes on protein structure and function are either unavailable or do not agree on the potential impact of this missense change (SIFT: "Tolerated"; PolyPhen-2: "Possibly Damaging"; Align-GVGD: "Class C0"). This variant has not been reported in the literature in individuals with TSC2-related conditions. This sequence change replaces asparagine with threonine at codon 941 of the TSC2 protein (p.Asn941Thr). The asparagine residue is highly conserved and there is a small physicochemical difference between asparagine and threonine.

NM_000548.5(TSC2):c.2822A>C (p.Asn941Thr)

Gene: TSC2 (TSC complex subunit 2; plus strand). Cytogenetic location: 16p13.3.
Variant type: single nucleotide variant.
Coding change: c.2822A>C on transcript NM_000548.5 (MANE Select); coding-DNA position 2822, A replaced by C.
Protein change: p.Asn941Thr; replaces asparagine 941 with threonine.
Molecular consequence: missense variant.
Genome position (GRCh38, 1-based): chr16:2,076,570, A>C. VCF-style: chr16-2076570-A-C. GRCh37 (hg19) VCF-style: chr16-2126571-A-C.
Other names: c.2822A>C (NM_000548.3); c.2822A>C, p.Asn941Thr (NM_001363528.2, NM_001370404.1, NM_001370405.1 and 3 more transcripts); c.2711A>C, p.Asn904Thr (NM_001318827.2); c.2675A>C, p.Asn892Thr (NM_001318829.2); c.2222A>C, p.Asn741Thr (NM_001318831.2); c.2855A>C, p.Asn952Thr (NM_001318832.2); short protein forms N741T, N892T, N904T, N941T, N952T.
Identifiers: ClinVar variation 1021603 (VCV001021603.10), dbSNP rs2089415203, ClinGen allele CA394280204.